The following is an entry in ClinVar:

NM_001042492.3(NF1):c.757G>A (p.Val253Met)

Gene: NF1 (neurofibromin 1; plus strand). Cytogenetic location: 17q11.2.
Variant type: single nucleotide variant.
Coding change: c.757G>A on transcript NM_001042492.3 (MANE Select); coding-DNA position 757, G replaced by A.
Protein change: p.Val253Met; replaces valine 253 with methionine.
Molecular consequence: missense variant.
Genome position (GRCh38, 1-based): chr17:31,182,534, G>A. VCF-style: chr17-31182534-G-A. GRCh37 (hg19) VCF-style: chr17-29509552-G-A.
Other names: c.757G>A, p.Val253Met (NM_000267.4, NM_001128147.3); short protein forms V253M.
Identifiers: ClinVar variation 956351 (VCV000956351.6), dbSNP rs786203607, ClinGen allele CA398990648.

ClinVar aggregate classification (germline): Uncertain significance (1 of 4 stars; one submission).

Conditions:
Neurofibromatosis, type 1 (NF1). Also called: VON RECKLINGHAUSEN DISEASE; NEUROFIBROMATOSIS, TYPE I, SOMATIC; Peripheral type neurofibromatosis; Neurofibromatosis, type I. Identifiers: Orphanet 636, MedGen C0027831, MONDO:0018975, OMIM 162200. Disease mechanism: loss of function.

Submission:

Labcorp Genetics (formerly Invitae), Labcorp
Classification: Uncertain significance for Neurofibromatosis, type 1. Last evaluated: 2022-03-03. Review status: criteria provided, single submitter. Criteria: Invitae Variant Classification Sherloc (09022015). Collection method: clinical testing. Allele origin: germline.
Comment: In summary, the available evidence is currently insufficient to determine the role of this variant in disease. Therefore, it has been classified as a Variant of Uncertain Significance. This variant disrupts the p.Val253 amino acid residue in NF1. Other variant(s) that disrupt this residue have been determined to be pathogenic (Invitae). This suggests that this residue is clinically significant, and that variants that disrupt this residue are likely to be disease-causing. Algorithms developed to predict the effect of missense changes on protein structure and function are either unavailable or do not agree on the potential impact of this missense change (SIFT: "Deleterious"; PolyPhen-2: "Possibly Damaging"; Align-GVGD: "Class C0"). ClinVar contains an entry for this variant (Variation ID: 956351). This variant has not been reported in the literature in individuals affected with NF1-related conditions. This variant is not present in population databases (gnomAD no frequency). This sequence change replaces valine, which is neutral and non-polar, with methionine, which is neutral and non-polar, at codon 253 of the NF1 protein (p.Val253Met).